The following is an entry in ClinVar:

ClinVar aggregate classification (germline): Uncertain significance (1 of 4 stars; one submission).

Allele frequency attached by ClinVar (database versions not stated): gnomAD exomes below 0.00001.
gnomAD v4.1: 1 of 1,518,388 alleles (0.000066%); highest among the groups gnomAD compares: Non-Finnish European, 0.000088%; no homozygotes.

Submission:

Labcorp Genetics (formerly Invitae), Labcorp
Classification: Uncertain significance. Last evaluated: 2024-03-23. Review status: criteria provided, single submitter. Criteria: Invitae Variant Classification Sherloc (09022015). Collection method: clinical testing. Allele origin: germline.
Comment: This sequence change replaces serine, which is neutral and polar, with threonine, which is neutral and polar, at codon 149 of the LEMD3 protein (p.Ser149Thr). This variant is not present in population databases (gnomAD no frequency). This variant has not been reported in the literature in individuals affected with LEMD3-related conditions. ClinVar contains an entry for this variant (Variation ID: 1474957). Advanced modeling of protein sequence and biophysical properties (such as structural, functional, and spatial information, amino acid conservation, physicochemical variation, residue mobility, and thermodynamic stability) performed at Invitae indicates that this missense variant is not expected to disrupt LEMD3 protein function with a negative predictive value of 80%. In summary, the available evidence is currently insufficient to determine the role of this variant in disease. Therefore, it has been classified as a Variant of Uncertain Significance.

NM_014319.5(LEMD3):c.446G>C (p.Ser149Thr)

Genes: LEMD3 (LEM domain containing 3; plus strand), LOC130008224 (ATAC-STARR-seq lymphoblastoid silent region 4630; plus strand). Cytogenetic location: 12q14.3.
Variant type: single nucleotide variant.
Coding change: c.446G>C on transcript NM_014319.5 (MANE Select); coding-DNA position 446, G replaced by C.
Protein change: p.Ser149Thr; replaces serine 149 with threonine.
Molecular consequence: missense variant.
Genome position (GRCh38, 1-based): chr12:65,170,042, G>C. VCF-style: chr12-65170042-G-C. GRCh37 (hg19) VCF-style: chr12-65563822-G-C.
Other names: c.446G>C, p.Ser149Thr (NM_001167614.2); short protein forms S149T.
Identifiers: ClinVar variation 1474957 (VCV001474957.6), dbSNP rs2136312628, ClinGen allele CA385673132.
Genomic context (GRCh38, chr12:65,170,042, plus strand): 5'-CCGCGGCTGGCAGCAAAGTGCTGCTGGGCTTCAGCTCGGACGAGTCGGACGTGGAGGCCA[G>C]TCCCCGGGACCAGGCCGGCGGCGGCGGGAGGAAAGACCGGGCTTCGCTCCAGTACCGCGG-3'
Protein context (NP_055134.2, residues 139-159): FSSDESDVEA[Ser149Thr]PRDQAGGGGR